The following is an entry in ClinVar:

ClinVar aggregate classification (germline): Uncertain significance. Review status: criteria provided, multiple submitters, no conflicts (2 of 4 stars). 2 submissions from 2 submitters: Uncertain significance (2). Last evaluated 2024-10-15.

Conditions:
Hereditary cancer-predisposing syndrome. Also called: Hereditary neoplastic syndrome; Neoplastic Syndromes, Hereditary; Tumor predisposition; Hereditary Cancer Syndrome. Identifiers: Orphanet 140162, MedGen C0027672, MeSH D009386, MONDO:0015356.
Hereditary diffuse gastric adenocarcinoma (HDGC). Also called: DIFFUSE GASTRIC AND LOBULAR BREAST CANCER SYNDROME. Identifiers: Orphanet 26106, MedGen C1708349, MONDO:0007648, OMIM 137215.

Submissions (2):

Labcorp Genetics (formerly Invitae), Labcorp
Classification: Uncertain significance for Hereditary diffuse gastric adenocarcinoma. Last evaluated: 2024-10-15. Review status: criteria provided, single submitter. Criteria: Invitae Variant Classification Sherloc (09022015). Collection method: clinical testing. Allele origin: germline.
Comment: This sequence change replaces phenylalanine, which is neutral and non-polar, with tyrosine, which is neutral and polar, at codon 98 of the CDH1 protein (p.Phe98Tyr). This variant is not present in population databases (gnomAD no frequency). This variant has not been reported in the literature in individuals affected with CDH1-related conditions. ClinVar contains an entry for this variant (Variation ID: 483255). An algorithm developed to predict the effect of missense changes on protein structure and function (PolyPhen-2) suggests that this variant is likely to be tolerated. In summary, the available evidence is currently insufficient to determine the role of this variant in disease. Therefore, it has been classified as a Variant of Uncertain Significance.

Ambry Genetics
Classification: Uncertain significance for Hereditary cancer-predisposing syndrome. Last evaluated: 2021-12-10. Review status: criteria provided, single submitter. Criteria: Ambry Variant Classification Scheme 2023. Collection method: clinical testing. Allele origin: germline.
Comment: The p.F98Y variant (also known as c.293T>A), located in coding exon 3 of the CDH1 gene, results from a T to A substitution at nucleotide position 293. The phenylalanine at codon 98 is replaced by tyrosine, an amino acid with highly similar properties. This amino acid position is highly conserved in available vertebrate species. In addition, the in silico prediction for this alteration is inconclusive. Since supporting evidence is limited at this time, the clinical significance of this alteration remains unclear.

NM_004360.5(CDH1):c.293T>A (p.Phe98Tyr)

Gene: CDH1 (cadherin 1; plus strand). Cytogenetic location: 16q22.1.
Variant type: single nucleotide variant.
Coding change: c.293T>A on transcript NM_004360.5 (MANE Select); coding-DNA position 293, T replaced by A.
Protein change: p.Phe98Tyr; replaces phenylalanine 98 with tyrosine.
Molecular consequence: missense variant. On other transcripts: 5 prime UTR variant (2).
Genome position (GRCh38, 1-based): chr16:68,801,799, T>A. VCF-style: chr16-68801799-T-A. GRCh37 (hg19) VCF-style: chr16-68835702-T-A.
Other names: c.293T>A (LRG_301t1); c.293T>A, p.Phe98Tyr (NM_001317184.2); c.-1323T>A (NM_001317185.2); c.-1527T>A (NM_001317186.2); short protein forms F98Y.
Identifiers: ClinVar variation 483255 (VCV000483255.8), dbSNP rs1555514451, ClinGen allele CA396457323.